The following is an entry in ClinVar:

ClinVar aggregate classification (germline): Uncertain significance (1 of 4 stars; one submission).

Conditions:
Cardiovascular phenotype. Identifiers: MedGen CN230736.

Submission:

Ambry Genetics
Classification: Uncertain significance for Cardiovascular phenotype. Last evaluated: 2024-01-03. Review status: criteria provided, single submitter. Criteria: Ambry Variant Classification Scheme 2023. Collection method: clinical testing. Allele origin: germline.
Comment: The p.L1139V variant (also known as c.3415C>G), located in coding exon 22 of the SOS2 gene, results from a C to G substitution at nucleotide position 3415. The leucine at codon 1139 is replaced by valine, an amino acid with highly similar properties. This amino acid position is conserved. In addition, the in silico prediction for this alteration is inconclusive. Since supporting evidence is limited at this time, the clinical significance of this alteration remains unclear.

NM_006939.4(SOS2):c.3415C>G (p.Leu1139Val)

Gene: SOS2 (SOS Ras/Rho guanine nucleotide exchange factor 2; minus strand). Cytogenetic location: 14q21.3.
Variant type: single nucleotide variant.
Coding change: c.3415C>G on transcript NM_006939.4 (MANE Select); coding-DNA position 3415, C replaced by G.
Protein change: p.Leu1139Val; replaces leucine 1139 with valine.
Molecular consequence: missense variant.
Genome position (GRCh38, 1-based): chr14:50,120,349, G>C on the plus strand (C>G on the coding strand, the complement: SOS2 is on the minus strand). VCF-style: chr14-50120349-G-C. GRCh37 (hg19) VCF-style: chr14-50587067-G-C.
Other names: c.3316C>G, p.Leu1106Val (NM_001411020.1); short protein forms L1106V, L1139V.
Identifiers: ClinVar variation 3225966 (VCV003225966.1), dbSNP rs2502768678, ClinGen allele CA389639275.
Genomic context (GRCh38, chr14:50,120,349, plus strand): 5'-CATCATGATCAAACTTTTTTCGAGGAGGAAGAGGAGGAGGAATCAGGGGCTCTTCACTTA[G>C]TTTATGTAAACTACCACATGAACTAAAGAAAGACTCTGGGGGAGAAAAAGACTAGTTTAA-3'
Protein context (NP_008870.2, residues 1129-1149): FFSSCGSLHK[Leu1139Val]SEEPLIPPPL